The following is an entry in ClinVar:

NM_000052.7(ATP7A):c.1772G>A (p.Gly591Glu)

Gene: ATP7A (ATPase copper transporting alpha; plus strand). Cytogenetic location: Xq21.1.
Variant type: single nucleotide variant.
Coding change: c.1772G>A on transcript NM_000052.7 (MANE Select); coding-DNA position 1772, G replaced by A.
Protein change: p.Gly591Glu; replaces glycine 591 with glutamic acid.
Molecular consequence: missense variant.
Genome position (GRCh38, 1-based): chrX:78,009,166, G>A. VCF-style: chrX-78009166-G-A. GRCh37 (hg19) VCF-style: chrX-77264663-G-A.
Other names: c.1772G>A, p.Gly591Glu (NM_001282224.2); short protein forms G591E.
Identifiers: ClinVar variation 1150428 (VCV001150428.11), dbSNP rs782566688, ClinGen allele CA10459105.

ClinVar aggregate classification (germline): Likely benign. Review status: criteria provided, multiple submitters, no conflicts (2 of 4 stars). 2 submissions from 2 submitters: Likely benign (2). Last evaluated 2026-04-01.

Conditions:
Menkes kinky-hair syndrome (MNK). Also called: Menkes Disease; Copper transport disease; Classic Menkes Disease. Identifiers: Orphanet 565, MedGen C0022716, MONDO:0010651, OMIM 309400.
Cutis laxa, X-linked (OHS). Also called: Occipital horn syndrome; EDS IX. Identifiers: Orphanet 198, MedGen C0268353, MONDO:0010572, OMIM 304150.
X-linked distal spinal muscular atrophy type 3. Also called: NEURONOPATHY, DISTAL HEREDITARY MOTOR, X-LINKED; NEUROPATHY, DISTAL HEREDITARY MOTOR, X-LINKED; ATP7A-Related Distal Motor Neuropathy; SPINAL MUSCULAR ATROPHY, DISTAL, X-LINKED RECESSIVE. Identifiers: Orphanet 139557, MedGen C1845359, MONDO:0010338, OMIM 300489.

Allele frequency attached by ClinVar (database versions not stated): gnomAD exomes 0.00002 and 0.00005; ExAC 0.00007.
gnomAD v4.1: 23 of 1,209,496 alleles (0.0019%); highest among the groups gnomAD compares: South Asian, 0.039%; no homozygotes.

Submissions (2):

CeGaT Center for Human Genetics Tuebingen
Classification: Likely benign. Last evaluated: 2026-04-01. Review status: criteria provided, single submitter. Criteria: CeGaT Center For Human Genetics Tuebingen Variant Classification Criteria Version 2. Collection method: clinical testing. Allele origin: germline. Affected: yes. Observed: 1 variant allele.
Comment: ATP7A: BS2

Labcorp Genetics (formerly Invitae), Labcorp
Classification: Likely benign for X-linked distal spinal muscular atrophy type 3; Cutis laxa, X-linked; Menkes kinky-hair syndrome. Last evaluated: 2025-10-26. Review status: criteria provided, single submitter. Criteria: Invitae Variant Classification Sherloc (09022015). Collection method: clinical testing. Allele origin: germline.